The following is an entry in ClinVar:

ClinVar aggregate classification (germline): Likely benign. Review status: criteria provided, multiple submitters, no conflicts (2 of 4 stars). 2 submissions from 2 submitters: Likely benign (2). Last evaluated 2023-05-24.

Conditions:
Bethlem myopathy 1A. Also called: MYOPATHY, BENIGN CONGENITAL, WITH CONTRACTURES; Bethlem myopathy 1; Bethlem Muscular Dystrophy. Identifiers: Orphanet 610, MedGen CN029274, MONDO:0024530, OMIM 158810.
Collagen 6-related myopathy. Identifiers: MedGen CN117976, MONDO:0100225.

Allele frequency attached by ClinVar (database versions not stated): ExAC 0.00002; gnomAD 0.00003; TOPMed 0.00003; ESP Exome Variant Server 0.00008.
gnomAD v4.1: 37 of 1,612,706 alleles (0.0023%); highest among the groups gnomAD compares: Admixed American, 0.005%; no homozygotes.

Submissions (2):

Labcorp Genetics (formerly Invitae), Labcorp
Classification: Likely benign for Bethlem myopathy 1A. Last evaluated: 2023-05-24. Review status: criteria provided, single submitter. Criteria: Invitae Variant Classification Sherloc (09022015). Collection method: clinical testing. Allele origin: germline.

Illumina Laboratory Services, Illumina
Classification: Likely benign for Collagen VI-related myopathy. Last evaluated: 2018-01-13. Review status: criteria provided, single submitter. Criteria: ICSL Variant Classification Criteria 13 December 2019. Collection method: clinical testing. Allele origin: germline.
Comment: This variant was observed in the ICSL laboratory as part of a predisposition screen in an ostensibly healthy population. It had not been previously curated by ICSL or reported in the Human Gene Mutation Database (HGMD: prior to June 1st, 2018), and was therefore a candidate for classification through an automated scoring system. Utilizing variant allele frequency, disease prevalence and penetrance estimates, and inheritance mode, an automated score was calculated to assess if this variant is too frequent to cause the disease. Based on the score and internal cut-off values, a variant classified as likely benign is not then subjected to further curation. The score for this variant resulted in a classification of likely benign for this disease.

NM_001848.3(COL6A1):c.930+13C>T

Gene: COL6A1 (collagen type VI alpha 1 chain; plus strand). Cytogenetic location: 21q22.3.
Variant type: single nucleotide variant.
Coding change: c.930+13C>T on transcript NM_001848.3 (MANE Select); 13 bases into the intron after coding-DNA position 930, C replaced by T.
Molecular consequence: intron variant.
Genome position (GRCh38, 1-based): chr21:45,989,791, C>T. VCF-style: chr21-45989791-C-T. GRCh37 (hg19) VCF-style: chr21-47409705-C-T.
Identifiers: ClinVar variation 340310 (VCV000340310.9), dbSNP rs370271954, ClinGen allele CA10069878.